The following is an entry in ClinVar:

ClinVar aggregate classification (germline): Benign/Likely benign. Review status: criteria provided, multiple submitters, no conflicts (2 of 4 stars). 21 submissions from 21 submitters: Benign (16); Likely benign (1). 4 of the submissions do not count toward it. Last evaluated 2026-02-04.

Conditions:
Oligodontia-cancer predisposition syndrome. Also called: TOOTH AGENESIS-COLORECTAL CANCER SYNDROME. Identifiers: Orphanet 300576, MedGen C1837750, MONDO:0012075, OMIM 608615. Disease mechanism: loss of function.
Carcinoma of colon (CRC). Also called: Colonic carcinoma; Colon carcinoma. Identifiers: MedGen C0699790, MONDO:0002032.
Hereditary cancer-predisposing syndrome. Also called: Tumor predisposition; Hereditary neoplastic syndrome; Hereditary Cancer Syndrome; Neoplastic Syndromes, Hereditary. Identifiers: Orphanet 140162, MedGen C0027672, MeSH D009386, MONDO:0015356.

Allele frequency attached by ClinVar (database versions not stated): 1000 Genomes Project 30x 0.44550; 1000 Genomes Project 0.44609; TOPMed 0.51545; gnomAD 0.52439 and 0.52627; ESP Exome Variant Server 0.54007; gnomAD exomes 0.59988 and 0.63880; ExAC 0.62364.
gnomAD v4.1: 984,734 of 1,570,832 alleles (63%); highest among the groups gnomAD compares: Non-Finnish European, 66%; 317,138 homozygotes.

Submissions (21):

Labcorp Genetics (formerly Invitae), Labcorp
Classification: Benign for Oligodontia-cancer predisposition syndrome. Last evaluated: 2026-02-04. Review status: criteria provided, single submitter. Criteria: Invitae Variant Classification Sherloc (09022015). Collection method: clinical testing. Allele origin: germline.

Molecular Diagnostics Laboratory, Catalan Institute of Oncology
Classification: Benign for Hereditary cancer-predisposing syndrome. Last evaluated: 2025-08-25. Review status: criteria provided, single submitter. Criteria: ACMG Guidelines, 2015. Collection method: clinical testing. Allele origin: germline.
Comment: BA1, BP4, BP7 c.1386C>T, located in exon 6 of the AXIN2 gene, is predicted to result in no amino acid change, p.(Pro462=) (BP7). The variant allele was found in 59348/89964 alleles, with a filtering allele frequency of 65.34% at 99% confidence, within the NFE population in the gnomAD v2.1.1 database (non-cancer data set) (BA1). The SpliceAI algorithm predicts no significant impact on splicing (BP4). Additional information has not been evaluated for this variant. Based on the currently available evidence, c.1386C>T is classified as a benign variant according to ACMG guidelines.

ARUP Laboratories, Molecular Genetics and Genomics, ARUP Laboratories
Classification: Benign. Last evaluated: 2025-07-30. Review status: criteria provided, single submitter. Criteria: ARUP Molecular Germline Variant Investigation Process 2024. Collection method: clinical testing. Allele origin: germline.

GeneKor MSA
Classification: Benign for Hereditary cancer-predisposing syndrome. Last evaluated: 2025-07-10. Review status: criteria provided, single submitter. Criteria: ACMG Guidelines, 2015. Collection method: clinical testing. Allele origin: germline.

Blueprint Genetics
Classification: Likely benign. Last evaluated: 2024-11-28. Review status: criteria provided, single submitter. Criteria: ACMG Guidelines, 2015. Collection method: clinical testing. Allele origin: germline.

Myriad Genetics, Inc.
Classification: Benign for Oligodontia-cancer predisposition syndrome. Last evaluated: 2024-07-03. Review status: criteria provided, single submitter. Criteria: Myriad Autosomal Dominant, Autosomal Recessive and X-Linked Classification Criteria (2023). Collection method: clinical testing. Allele origin: unknown.
Comment: This variant is considered benign. This variant is a silent/synonymous amino acid change and it is not expected to impact splicing.

Institute for Biomarker Research, Medical Diagnostic Laboratories, L.L.C.
Classification: Benign for Hereditary cancer-predisposing syndrome. Last evaluated: 2023-09-12. Review status: criteria provided, single submitter. Criteria: ACMG Guidelines, 2015. Collection method: clinical testing. Allele origin: germline.

KCCC/NGS Laboratory, Kuwait Cancer Control Center
Classification: Benign for Oligodontia-cancer predisposition syndrome. Last evaluated: 2023-07-07. Review status: criteria provided, single submitter. Criteria: ACMG Guidelines, 2015. Collection method: clinical testing. Allele origin: germline. Affected: yes.

Genome-Nilou Lab
Classification: Benign for Oligodontia-cancer predisposition syndrome. Last evaluated: 2021-07-14. Review status: criteria provided, single submitter. Criteria: ACMG Guidelines, 2015. Collection method: clinical testing. Allele origin: germline. Affected: no.

Fulgent Genetics
Classification: Benign for Colorectal cancer; Oligodontia-cancer predisposition syndrome. Last evaluated: 2018-10-31. Review status: criteria provided, single submitter. Criteria: ACMG Guidelines, 2015. Collection method: clinical testing. Allele origin: unknown.

Ambry Genetics
Classification: Benign for Hereditary cancer-predisposing syndrome. Last evaluated: 2018-09-10. Review status: criteria provided, single submitter. Criteria: Ambry Variant Classification Scheme 2023. Collection method: clinical testing. Allele origin: germline.

Illumina Laboratory Services, Illumina
Classification: Benign for Oligodontia-cancer predisposition syndrome. Last evaluated: 2018-01-12. Review status: criteria provided, single submitter. Criteria: ICSL Variant Classification Criteria 13 December 2019. Collection method: clinical testing. Allele origin: germline.
Comment: This variant was observed in the ICSL laboratory as part of a predisposition screen in an ostensibly healthy population. It had not been previously curated by ICSL or reported in the Human Gene Mutation Database (HGMD: prior to June 1st, 2018), and was therefore a candidate for classification through an automated scoring system. Utilizing variant allele frequency, disease prevalence and penetrance estimates, and inheritance mode, an automated score was calculated to assess if this variant is too frequent to cause the disease. Based on the score and internal cut-off values, a variant classified as benign is not then subjected to further curation. The score for this variant resulted in a classification of benign for this disease.

Women's Health and Genetics/Laboratory Corporation of America, LabCorp
Classification: Benign. Last evaluated: 2016-04-27. Review status: criteria provided, single submitter. Criteria: LabCorp Variant Classification Summary - May 2015. Collection method: clinical testing. Allele origin: germline.
Comment: Variant summary: The AXIN2 c.1386C>T variant affects a non-conserved nucleotide, resulting in no amino acid change. Mutation Taster predicts the variant is a polymorphism, and 5/5 Alamut algorithms predict no significant change to splicing. This variant was found in 35556/57014 control chromosomes (11148 homozygotes) at a frequency of 0.6236363, which is about 4390 times of the maximal expected frequency of a pathogenic ACIN2 allele (0.0001421), suggesting this variant is benign. The variant has been reported to possibly be associated with astrocytoma, however the odds ratio was not believable and the sample size was relatively small (Gunes_Mol Med Reports_2010). Taken together, this variant was classified as benign.

Laboratory for Molecular Medicine, Mass General Brigham Personalized Medicine
Classification: Benign. Last evaluated: 2016-03-29. Review status: criteria provided, single submitter. Criteria: LMM Criteria. Collection method: clinical testing. Allele origin: germline.
Comment: Variant identified in a genome or exome case(s) and assessed due to predicted null impact of the variant or pathogenic assertions in the literature or databases. Disclaimer: This variant has not undergone full assessment. The following are preliminary notes: Frequency

GeneDx
Classification: Benign. Last evaluated: 2015-03-03. Review status: criteria provided, single submitter. Criteria: GeneDx Variant Classification Process June 2021. Collection method: clinical testing. Allele origin: germline. Affected: yes.

Breakthrough Genomics
Classification: Benign. Review status: criteria provided, single submitter. Criteria: ACMG Guidelines, 2015. Collection method: not provided. Allele origin: germline. Inheritance: Autosomal dominant inheritance. Affected: yes.

PreventionGenetics, part of Exact Sciences
Classification: Benign. Review status: criteria provided, single submitter. Criteria: ACMG Guidelines, 2015. Collection method: clinical testing. Allele origin: germline.

Clinical Genetics, Academic Medical Center
Classification: Benign. Review status: no assertion criteria provided. Collection method: clinical testing. Allele origin: germline. Affected: yes. Study: VKGL Data-share Consensus. Not counted in ClinVar's aggregate classification.

Diagnostic Laboratory, Department of Genetics, University Medical Center Groningen
Classification: Benign. Review status: no assertion criteria provided. Collection method: clinical testing. Allele origin: germline. Affected: yes. Study: VKGL Data-share Consensus. Not counted in ClinVar's aggregate classification.

Genome Diagnostics Laboratory, University Medical Center Utrecht
Classification: Benign. Review status: no assertion criteria provided. Collection method: clinical testing. Allele origin: germline. Affected: yes. Study: VKGL Data-share Consensus. Not counted in ClinVar's aggregate classification.

Mayo Clinic Laboratories, Mayo Clinic
Classification: Benign. Review status: no assertion criteria provided. Collection method: clinical testing. Allele origin: unknown. Not counted in ClinVar's aggregate classification.

Literature cited by the submitters: PubMed 21472303 (cited by Women's Health and Genetics/Laboratory Corporation of America, LabCorp).

NM_004655.4(AXIN2):c.1386C>T (p.Pro462=)

Gene: AXIN2 (axin 2; minus strand). Cytogenetic location: 17q24.1.
Variant type: single nucleotide variant.
Coding change: c.1386C>T on transcript NM_004655.4 (MANE Select); coding-DNA position 1386, C replaced by T.
Protein change: p.Pro462=; no amino-acid change (proline 462 retained).
Molecular consequence: synonymous variant.
Genome position (GRCh38, 1-based): chr17:65,537,650, G>A on the plus strand (C>T on the coding strand, the complement: AXIN2 is on the minus strand). VCF-style: chr17-65537650-G-A. GRCh37 (hg19) VCF-style: chr17-63533768-G-A.
Other names: c.1386C>T, p.Pro462= (NM_001363813.1).
Identifiers: ClinVar variation 259510 (VCV000259510.55), dbSNP rs1133683, ClinGen allele CA8718663.
Genomic context (GRCh38, chr17:65,537,650, plus strand): 5'-CGGGAGCAGGGAGTGGTACTGCGAATGGTGGTGGTGGTGGTGGTCCGGGGAGCGGGAGCG[G>A]GGGCTATAGCGGCCTACGCCTGGAGACTGGCAGCCAGGGGTCTTGAGGACCCTGGACAGG-3'
Protein context (NP_004646.3, residues 452-472): CQSPGVGRYS[Pro462=]RSRSPDHHHH